The following is an entry in ClinVar:

ClinVar aggregate classification (germline): Pathogenic. Review status: criteria provided, multiple submitters, no conflicts (2 of 4 stars). 2 submissions from 2 submitters: Pathogenic (2). Last evaluated 2025-06-26.

Conditions:
Spastic paraplegia. Identifiers: MedGen C0037772, HP:0001258.
Charlevoix-Saguenay spastic ataxia (SACS). Also called: SPASTIC ATAXIA 6, AUTOSOMAL RECESSIVE; Spastic ataxia of Charlevoix-Saguenay; AUTOSOMAL RECESSIVE SPASTIC ATAXIA OF CHARLEVOIX-SAGUENAY. Identifiers: Orphanet 98, MedGen C1849140, MONDO:0010041, OMIM 270550.

Submissions (2):

Myriad Genetics, Inc.
Classification: Pathogenic for Charlevoix-Saguenay spastic ataxia. Last evaluated: 2025-06-26. Review status: criteria provided, single submitter. Criteria: Myriad Autosomal Dominant, Autosomal Recessive and X-Linked Classification Criteria (2023). Collection method: clinical testing. Allele origin: unknown.
Comment: NM_014363.4(SACS):c.5141_5144delTTAA(I1714Kfs*10) is a frameshift variant classified as pathogenic in the context of autosomal recessive spastic ataxia of Charlevoix-Saguenay. I1714Kfs*10 has not been observed in cases with relevant disease. Relevant functional assessments of this variant are not available in the literature. I1714Kfs*10 has not been observed in referenced population frequency databases. In summary, NM_014363.4(SACS):c.5141_5144delTTAA(I1714Kfs*10) is a frameshift variant in a gene where loss of function is a known mechanism of disease and is predicted to disrupt protein function. Please note: this variant was assessed in the context of healthy population screening.

Labcorp Genetics (formerly Invitae), Labcorp
Classification: Pathogenic for Spastic paraplegia. Last evaluated: 2023-02-03. Review status: criteria provided, single submitter. Criteria: Invitae Variant Classification Sherloc (09022015). Collection method: clinical testing. Allele origin: germline.
Comment: This variant disrupts a region of the SACS protein in which other variant(s) (p.Asn4549Asp) have been determined to be pathogenic (PMID: 15156359, 21507954). This suggests that this is a clinically significant region of the protein, and that variants that disrupt it are likely to be disease-causing. This sequence change creates a premature translational stop signal (p.Ile1714Lysfs*10) in the SACS gene. While this is not anticipated to result in nonsense mediated decay, it is expected to disrupt the last 2866 amino acid(s) of the SACS protein. This variant is not present in population databases (gnomAD no frequency). This variant has not been reported in the literature in individuals affected with SACS-related conditions. For these reasons, this variant has been classified as Pathogenic.

Literature cited by the submitters: PubMed 15156359 (cited by Labcorp Genetics (formerly Invitae), Labcorp); PubMed 21507954 (cited by Labcorp Genetics (formerly Invitae), Labcorp).

NM_014363.6(SACS):c.5141_5144del (p.Ile1714fs)

Gene: SACS (sacsin molecular chaperone; minus strand). Cytogenetic location: 13q12.12.
Variant type: Deletion.
Coding change: c.5141_5144del on transcript NM_014363.6 (MANE Select); coding-DNA positions 5141 to 5144, 4 bases deleted (TTAA; older notation c.5141_5144delTTAA).
Protein change: p.Ile1714fs; shifts the reading frame from isoleucine 1714.
Molecular consequence: frameshift variant.
Genome position (GRCh38, 1-based): chr13:23,338,732-23,338,735, TTAA deleted on the plus strand (TTAA on the coding strand, the reverse complement: SACS is on the minus strand); deleting any 4 consecutive bases within chr13:23,338,732-23,338,738 gives the same sequence; the c. name uses the placement nearest the transcript's 3' end. VCF-style (leftmost placement, unchanged base first): chr13-23338731-TTTAA-T. GRCh37 (hg19) VCF-style: chr13-23912870-TTTAA-T.
Other names: c.4700_4703del, p.Ile1567fs (NM_001278055.2); short protein forms I1567fs, I1714fs.
Identifiers: ClinVar variation 2821034 (VCV002821034.4), dbSNP rs2542270863, ClinGen allele CA2739277470.
Genomic context (GRCh38, chr13:23,338,731, plus strand): 5'-AGCCTCTTTTAAAACACTTAAGACAGGTGTGTTCAATGCTTTGGAAGAGCAGGATTTTTT[TTTAA>T]TTATTACTGTATCTTGTGCTAAACTGGGGTTGGTTTCCTCAATTTTCAAGTACTTCAAAT-3'